The following is an entry in ClinVar:

NM_000053.4(ATP7B):c.2901del (p.Ile968fs)

Gene: ATP7B (ATPase copper transporting beta; minus strand). Cytogenetic location: 13q14.3.
Variant type: Deletion.
Coding change: c.2901del on transcript NM_000053.4 (MANE Select); coding-DNA position 2901, one base deleted (C; older notation c.2901delC).
Protein change: p.Ile968fs; shifts the reading frame from isoleucine 968.
Molecular consequence: frameshift variant.
Genome position (GRCh38, 1-based): chr13:51,946,443, G deleted on the plus strand (C on the coding strand, the reverse complement: ATP7B is on the minus strand). VCF-style (leftmost placement, unchanged base first): chr13-51946442-TG-T. GRCh37 (hg19) VCF-style: chr13-52520578-TG-T.
Other names: c.2901del (NM_000053.3); c.2901delC (NM_000053.3); c.2280del, p.Ile761fs (NM_001005918.3); c.2568del, p.Ile857fs (NM_001243182.2); c.2667del, p.Ile890fs (NM_001330578.2); c.2649del, p.Ile884fs (NM_001330579.2); short protein forms I857fs, I761fs, I884fs, I968fs, I890fs.
Identifiers: ClinVar variation 422866 (VCV000422866.6), dbSNP rs1064796054, ClinGen allele CA16619814.

ClinVar aggregate classification (germline): Pathogenic/Likely pathogenic. Review status: criteria provided, multiple submitters, no conflicts (2 of 4 stars). 3 submissions from 3 submitters: Pathogenic (2); Likely pathogenic (1). Last evaluated 2024-05-10.

Conditions:
Wilson disease (WND). Also called: Wilson's disease. Identifiers: Orphanet 905, MedGen C0019202, MONDO:0010200, OMIM 277900. Disease mechanism: loss of function.

Allele frequency attached by ClinVar (database versions not stated): gnomAD 0.00001.

Submissions (3):

GeneDx
Classification: Likely pathogenic. Last evaluated: 2024-05-10. Review status: criteria provided, single submitter. Criteria: GeneDx Variant Classification Process June 2021. Collection method: clinical testing. Allele origin: germline. Affected: yes.
Comment: Frameshift variant predicted to result in protein truncation or nonsense mediated decay in a gene for which loss of function is a known mechanism of disease; Not observed at significant frequency in large population cohorts (gnomAD); Has not been previously published as pathogenic or benign to our knowledge

Myriad Genetics, Inc.
Classification: Pathogenic for Wilson disease. Last evaluated: 2024-05-08. Review status: criteria provided, single submitter. Criteria: Myriad Autosomal Dominant, Autosomal Recessive and X-Linked Classification Criteria (2023). Collection method: clinical testing. Allele origin: unknown.
Comment: NM_000053.3(ATP7B):c.2901delC(I968Sfs*54) is expected to be pathogenic in the context of Wilson disease. This variant is predicted to lead to an abnormal or absent protein product due to the creation of a premature termination codon in ATP7B, a gene where loss-of-function variants are known to be pathogenic. Please note: this variant was assessed in the context of healthy population screening.

All of Us Research Program, National Institutes of Health
Classification: Pathogenic for Wilson disease. Last evaluated: 2023-03-23. Review status: criteria provided, single submitter. Criteria: ACMG Guidelines, 2015. Collection method: clinical testing. Allele origin: germline. Inheritance: Autosomal recessive inheritance. Observed: 1 variant allele, 1 heterozygote.
Comment: This variant deletes 1 nucleotide in exon 13 of the ATP7B gene, creating a frameshift and premature translation stop signal. This variant is expected to result in an absent or non-functional protein product. To our knowledge, this variant has not been reported in individuals affected with ATP7B-related disorders in the literature. This variant has been identified in 1/31388 chromosomes in the general population by the Genome Aggregation Database (gnomAD). Loss of ATP7B function is a known mechanism of disease. Based on the available evidence, this variant is classified as Pathogenic.

This study involves interpretation of variants in research participants for the purpose of population health screening. Participant phenotype was not available at the time of variant classification. Additional details can be found in publication PMID: 35346344, PMCID: PMC8962531